The following is an entry in ClinVar:

ClinVar aggregate classification (germline): Benign/Likely benign. Review status: criteria provided, multiple submitters, no conflicts (2 of 4 stars). 7 submissions from 7 submitters: Benign (4); Likely benign (2). 1 of the submissions does not count toward it. Last evaluated 2026-01-28.

Conditions:
L1CAM-related disorder. Also called: L1CAM-related condition.
Spastic paraplegia. Identifiers: MedGen C0037772, HP:0001258.
Inborn genetic diseases. Identifiers: MedGen C0950123, MeSH D030342.
X-linked complicated corpus callosum dysgenesis. Also called: X-Linked Complicated Corpus Callosum Agenesis. Identifiers: Orphanet 1497, MedGen C1839909, MONDO:0010569, OMIM 304100.
MASA syndrome. Also called: SPASTIC PARAPLEGIA 1, X-LINKED; MASA Syndrome (Mental Retardation, Adducted Thumbs, Shuffling Gait, and Aphasia); MASA (Mental Retardation, Adducted Thumbs, Shuffling Gait, Aphasia) Syndrome, Including SPG1 (X-Linked Complicated Hereditary Spastic Paraplegia Type 1); CRASH syndrome; GAREIS-MASON SYNDROME; MENTAL RETARDATION, APHASIA, SHUFFLING GAIT, AND ADDUCTED THUMBS. Identifiers: Orphanet 2466, MedGen C0795953, MONDO:0010559, OMIM 303350.
X-linked hydrocephalus syndrome (HYCX). Also called: X-linked hydrocephalus; X-Linked Hydrocephalus with Stenosis of the Aqueduct of Sylvius; AQUEDUCTAL STENOSIS, X-LINKED; X-Linked Hydrocephalus with Stenosis of the Aqueduct of Sylvius (HSAS); HYDROCEPHALUS, CONGENITAL, X-LINKED. Identifiers: Orphanet 2182, MedGen C0265216, MONDO:0010611, OMIM 307000.

Allele frequency attached by ClinVar (database versions not stated): ExAC 0.00021; TOPMed 0.00022; gnomAD exomes 0.00025; gnomAD 0.00027; ESP Exome Variant Server 0.00009.
gnomAD v4.1: 688 of 1,206,671 alleles (0.057%); highest among the groups gnomAD compares: Non-Finnish European, 0.073%; 1 homozygote.

Submissions (7):

Labcorp Genetics (formerly Invitae), Labcorp
Classification: Benign for Spastic paraplegia. Last evaluated: 2026-01-28. Review status: criteria provided, single submitter. Criteria: Invitae Variant Classification Sherloc (09022015). Collection method: clinical testing. Allele origin: germline.

Blueprint Genetics
Classification: Likely benign. Last evaluated: 2024-09-26. Review status: criteria provided, single submitter. Criteria: ACMG Guidelines, 2015. Collection method: clinical testing. Allele origin: germline.

Fulgent Genetics
Classification: Likely benign for MASA syndrome; X-linked complicated corpus callosum dysgenesis; X-linked hydrocephalus syndrome. Last evaluated: 2021-07-06. Review status: criteria provided, single submitter. Criteria: ACMG Guidelines, 2015. Collection method: clinical testing. Allele origin: unknown.

Athena Diagnostics
Classification: Benign. Last evaluated: 2021-04-05. Review status: criteria provided, single submitter. Criteria: Athena Diagnostics criteria. Collection method: clinical testing. Allele origin: unknown.

GeneDx
Classification: Benign. Last evaluated: 2018-09-10. Review status: criteria provided, single submitter. Criteria: GeneDx Variant Classification Process June 2021. Collection method: clinical testing. Allele origin: germline. Affected: yes.
Comment: This variant is associated with the following publications: (PMID: 26891472, 19846429)

Ambry Genetics
Classification: Benign for Inborn genetic diseases. Last evaluated: 2017-02-06. Review status: criteria provided, single submitter. Criteria: Ambry Variant Classification Scheme 2023. Collection method: clinical testing. Allele origin: germline.

PreventionGenetics, part of Exact Sciences
Classification: Likely benign for L1CAM-related condition. Last evaluated: 2023-12-29. Review status: no assertion criteria provided. Collection method: clinical testing. Allele origin: germline. Not counted in ClinVar's aggregate classification.
Comment: This variant is classified as likely benign based on ACMG/AMP sequence variant interpretation guidelines (Richards et al. 2015 PMID: 25741868, with internal and published modifications).

Literature cited by the submitters: PubMed 26891472 (cited by Athena Diagnostics and Ambry Genetics); PubMed 19846429 (cited by Athena Diagnostics and Ambry Genetics).

NM_001278116.2(L1CAM):c.113C>T (p.Thr38Met)

Gene: L1CAM (L1 cell adhesion molecule; minus strand). Cytogenetic location: Xq28.
Variant type: single nucleotide variant.
Coding change: c.113C>T on transcript NM_001278116.2 (MANE Select); coding-DNA position 113, C replaced by T.
Protein change: p.Thr38Met; replaces threonine 38 with methionine.
Molecular consequence: missense variant.
Genome position (GRCh38, 1-based): chrX:153,872,676, G>A on the plus strand (C>T on the coding strand, the complement: L1CAM is on the minus strand). VCF-style: chrX-153872676-G-A. GRCh37 (hg19) VCF-style: chrX-153138131-G-A.
Other names: c.113C>T, p.Thr38Met (NM_000425.5, NM_024003.3); c.98C>T, p.Thr33Met (NM_001143963.2); short protein forms T38M, T33M.
Identifiers: ClinVar variation 458210 (VCV000458210.22), dbSNP rs201151358, ClinGen allele CA10554662.